The following is an entry in ClinVar:

ClinVar aggregate classification (germline): Benign/Likely benign. Review status: criteria provided, multiple submitters, no conflicts (2 of 4 stars). 5 submissions from 5 submitters: Benign (2); Likely benign (3). Last evaluated 2026-02-01.

Conditions:
Retinal dystrophy. Also called: Inherited retinal dystrophy. Identifiers: Orphanet 71862, MedGen C0854723, MeSH D058499, MONDO:0019118, HP:0000556.
Primary ciliary dyskinesia. Also called: Ciliary dyskinesia. Identifiers: Orphanet 244, MedGen C0008780, MONDO:0016575, HP:0012265.

Submissions (5):

Labcorp Genetics (formerly Invitae), Labcorp
Classification: Benign for Primary ciliary dyskinesia. Last evaluated: 2026-02-01. Review status: criteria provided, single submitter. Criteria: Invitae Variant Classification Sherloc (09022015). Collection method: clinical testing. Allele origin: germline.

Blueprint Genetics
Classification: Likely benign. Last evaluated: 2024-11-28. Review status: criteria provided, single submitter. Criteria: ACMG Guidelines, 2015. Collection method: clinical testing. Allele origin: germline.

Institute of Human Genetics, Univ. Regensburg, Univ. Regensburg
Classification: Likely benign for Retinal dystrophy. Last evaluated: 2023-01-01. Review status: criteria provided, single submitter. Criteria: ACMG Guidelines, 2015. Collection method: clinical testing. Allele origin: germline. Affected: yes.

PreventionGenetics, part of Exact Sciences
Classification: Benign. Last evaluated: 2019-11-20. Review status: criteria provided, single submitter. Criteria: ACMG Guidelines, 2015. Collection method: clinical testing. Allele origin: germline.

GeneDx
Classification: Likely benign. Last evaluated: 2019-10-06. Review status: criteria provided, single submitter. Criteria: GeneDx Variant Classification Process June 2021. Collection method: clinical testing. Allele origin: germline. Affected: yes.
Comment: This variant is associated with the following publications: (PMID: 31213628)

Literature cited by the submitters: PubMed 31213628 (cited by Institute of Human Genetics, Univ. Regensburg, Univ. Regensburg); PubMed 3580619 (cited by Institute of Human Genetics, Univ. Regensburg, Univ. Regensburg).

NM_001034853.2(RPGR):c.3062TGGAAGGGGAGG[1] (p.1021VEGE[1])

Gene: RPGR (retinitis pigmentosa GTPase regulator; minus strand). Cytogenetic location: Xp11.4.
Variant type: Microsatellite.
Coding change: c.3062TGGAAGGGGAGG[1] on transcript NM_001034853.2 (MANE Select); one copy of the 12-base unit TGGAAGGGGAGG starting at c.3062; the reference has two copies in a row; one copy, 12 bases deleted; also written c.3074_3085del.
Protein change: p.1021VEGE[1].
Molecular consequence: inframe deletion. On other transcripts: intron variant (8).
Genome position (GRCh38, 1-based): chrX:38,285,914-38,285,925, CCTCCCCTTCCA deleted on the plus strand (TGGAAGGGGAGG on the coding strand, the reverse complement: RPGR is on the minus strand); deleting any 12 consecutive bases within chrX:38,285,914-38,285,938 gives the same sequence; the position shown is the placement nearest the transcript's 3' end. VCF-style (leftmost placement, unchanged base first): chrX-38285913-TCCTCCCCTTCCA-T. GRCh37 (hg19) VCF-style: chrX-38145166-TCCTCCCCTTCCA-T.
Other names: c.3074_3085del (NM_001034853.2); c.1569+5034_1569+5045del (NM_001367249.1, NM_001367250.1); c.1902+1169_1902+1180del (NM_001367245.1); c.1386+5034_1386+5045del (NM_001367251.1); c.1719+1169_1719+1180del (NM_001367246.1); c.1572+5034_1572+5045del (NM_001367247.1); c.1905+1169_1905+1180del (NM_000328.3); c.1602+5034_1602+5045del (NM_001367248.1); and 1 more.
Identifiers: ClinVar variation 1188640 (VCV001188640.11), dbSNP rs201134185, ClinGen allele CA10385206.
Genomic context (GRCh38, chrX:38,285,913, plus strand): 5'-TCCTTTTCCCTTTCTTCTCCTTCCTCCTCTCCTTCCTCTTCCTCTCCTTCCCCCTCTCCT[TCCTCCCCTTCCA>T]CCTCCCCTTCCACTTCCCCTTCCTCTTCTTCCTCCCCTTCTCCCTCCCCTTCTTCCTCTC-3'